The following is an entry in ClinVar:

ClinVar aggregate classification (germline): Uncertain significance. Review status: criteria provided, multiple submitters, no conflicts (2 of 4 stars). 5 submissions from 4 submitters: Uncertain significance (5). Last evaluated 2026-01-27.

Conditions:
Aortic aneurysm, familial thoracic 4 (AAT4). Also called: AORTIC ANEURYSM/AORTIC DISSECTION AND PATENT DUCTUS ARTERIOSUS. Identifiers: MedGen C1851504, MONDO:0007568, OMIM 132900.
Megacystis-microcolon-intestinal hypoperistalsis syndrome 2. Identifiers: MedGen C5543476, MONDO:0025708, OMIM 619351.
Visceral myopathy 2. Identifiers: MedGen C5543466, MONDO:0859157, OMIM 619350.
Familial thoracic aortic aneurysm and aortic dissection (TAAD). Also called: Thoracic aortic aneurysms and dissections. Identifiers: Orphanet 91387, MedGen C4707243, MONDO:0019625.

Allele frequency attached by ClinVar (database versions not stated): gnomAD exomes below 0.00001 and 0.00001; gnomAD 0.00001; TOPMed 0.00001.
gnomAD v4.1: 11 of 1,613,904 alleles (0.00068%); highest among the groups gnomAD compares: Non-Finnish European, 0.00093%; no homozygotes.

Submissions (5):

Labcorp Genetics (formerly Invitae), Labcorp
Classification: Uncertain significance for Aortic aneurysm, familial thoracic 4. Last evaluated: 2026-01-27. Review status: criteria provided, single submitter. Criteria: Invitae Variant Classification Sherloc (09022015). Collection method: clinical testing. Allele origin: germline.
Comment: This sequence change replaces lysine, which is basic and polar, with arginine, which is basic and polar, at codon 54 of the MYH11 protein (p.Lys54Arg). This variant is present in population databases (no rsID available, gnomAD 0.0009%). This missense change has been observed in individual(s) with clinical features of MYH11-related conditions (PMID: 29907982). ClinVar contains an entry for this variant (Variation ID: 628339). Invitae Evidence Modeling of protein sequence and biophysical properties (such as structural, functional, and spatial information, amino acid conservation, physicochemical variation, residue mobility, and thermodynamic stability) indicates that this missense variant is not expected to disrupt MYH11 protein function with a negative predictive value of 95%. In summary, the available evidence is currently insufficient to determine the role of this variant in disease. Therefore, it has been classified as a Variant of Uncertain Significance.

All of Us Research Program, National Institutes of Health
Classification: Uncertain significance for Familial thoracic aortic aneurysm and aortic dissection. Last evaluated: 2023-12-01. Review status: criteria provided, single submitter. Criteria: ACMG Guidelines, 2015. Collection method: clinical testing. Allele origin: germline. Inheritance: Autosomal dominant inheritance. Observed: 2 variant alleles, 2 heterozygotes.
Comment: Variant of Uncertain Significance due to insufficient evidence: This missense variant is located in the N-terminal SH3-like domain of the MYH11 protein. Computational prediction tools and conservation analyses suggest that this variant may not impact the protein function. Computational splicing tools suggest that this variant may not impact RNA splicing. To our knowledge, functional assays have not been performed for this variant nor has this variant been reported in individuals affected with cardiovascular disorders in the literature. This variant has been identified in 1/246172 chromosomes in the general population by the Genome Aggregation Database (gnomAD). Available evidence is insufficient to determine the pathogenicity of this variant conclusively.

This study involves interpretation of variants in research participants for the purpose of population health screening. Participant phenotype was not available at the time of variant classification. Additional details can be found in publication PMID: 35346344, PMCID: PMC8962531

Color Diagnostics, LLC DBA Color Health
Classification: Uncertain significance for Familial thoracic aortic aneurysm and aortic dissection. Last evaluated: 2022-11-08. Review status: criteria provided, single submitter. Criteria: ACMG Guidelines, 2015. Collection method: clinical testing. Allele origin: germline.
Comment: This missense variant replaces lysine with arginine at codon 54 of the MYH11 protein. Computational prediction suggests that this variant may not impact protein structure and function (internally defined REVEL score threshold <= 0.5, PMID: 27666373). To our knowledge, functional studies have not been reported for this variant. This variant has not been reported in individuals affected with MYH11-related disorders in the literature. This variant has been identified in 1/251406 chromosomes in the general population by the Genome Aggregation Database (gnomAD). The available evidence is insufficient to determine the role of this variant in disease conclusively. Therefore, this variant is classified as a Variant of Uncertain Significance.

Center for Genomics, Ann and Robert H. Lurie Children's Hospital of Chicago
Classification: Uncertain significance for Aortic aneurysm, familial thoracic 4. Last evaluated: 2020-07-17. Review status: criteria provided, single submitter. Criteria: ACMG Guidelines, 2015. Collection method: clinical testing. Allele origin: germline.
Comment: MYH11 NM_002474.2 exon 2 p.Lys54Arg (c.161A>G): This variant has been reported in the literature in one individual with suspected hereditary thoracic aortic disease (Overwater 2018 PMID:29907982). This variant is present in 0.0008% (1/113690) of European alleles in the Genome Aggregation Database and is present in ClinVar (Variation ID:628339). Evolutionary conservation and computational predictive tools for this variant are unclear. In summary, data on this variant is insufficient for disease classification. Therefore, the clinical significance of this variant is uncertain.

Center for Genomics, Ann and Robert H. Lurie Children's Hospital of Chicago
Classification: Uncertain significance for Megacystis-microcolon-intestinal hypoperistalsis syndrome 2; Aortic aneurysm, familial thoracic 4; Visceral myopathy 2. Review status: criteria provided, single submitter. Criteria: ACMG Guidelines, 2015. Collection method: clinical testing. Allele origin: germline.
Comment: the same text as in the submission from Center for Genomics, Ann and Robert H. Lurie Children's Hospital of Chicago above.

Literature cited by the submitters: PubMed 29907982 (cited by Labcorp Genetics (formerly Invitae), Labcorp).

NM_002474.3(MYH11):c.161A>G (p.Lys54Arg)

Gene: MYH11 (myosin heavy chain 11; minus strand). Cytogenetic location: 16p13.11.
Variant type: single nucleotide variant.
Coding change: c.161A>G on transcript NM_002474.3 (MANE Select); coding-DNA position 161, A replaced by G.
Protein change: p.Lys54Arg; replaces lysine 54 with arginine.
Molecular consequence: missense variant.
Genome position (GRCh38, 1-based): chr16:15,838,092, T>C on the plus strand (A>G on the coding strand, the complement: MYH11 is on the minus strand). VCF-style: chr16-15838092-T-C. GRCh37 (hg19) VCF-style: chr16-15931949-T-C.
Other names: c.161A>G, p.Lys54Arg (NM_001040113.2, NM_001040114.2, NM_022844.3); short protein forms K54R.
Identifiers: ClinVar variation 628339 (VCV000628339.14), dbSNP rs1015353331, ClinGen allele CA278998948.